The following is an entry in ClinVar:

ClinVar aggregate classification (germline): Uncertain significance. Review status: criteria provided, multiple submitters, no conflicts (2 of 4 stars). 3 submissions from 3 submitters: Uncertain significance (2). 1 of the submissions does not count toward it. Last evaluated 2025-11-03.

Conditions:
Hereditary cancer-predisposing syndrome. Also called: Neoplastic Syndromes, Hereditary; Tumor predisposition; Hereditary neoplastic syndrome; Hereditary Cancer Syndrome. Identifiers: Orphanet 140162, MedGen C0027672, MeSH D009386, MONDO:0015356.
Prostate cancer, hereditary, 1 (HPC1). Identifiers: Orphanet 1331, MedGen C4722327, MONDO:0011098, OMIM 601518.

Submissions (3):

Labcorp Genetics (formerly Invitae), Labcorp
Classification: Uncertain significance. Last evaluated: 2025-11-03. Review status: criteria provided, single submitter. Criteria: Invitae Variant Classification Sherloc (09022015). Collection method: clinical testing. Allele origin: germline.
Comment: This sequence change replaces arginine, which is basic and polar, with leucine, which is neutral and non-polar, at codon 159 of the HOXB13 protein (p.Arg159Leu). This variant is not present in population databases (gnomAD no frequency). This variant has not been reported in the literature in individuals affected with HOXB13-related conditions. ClinVar contains an entry for this variant (Variation ID: 690789). Invitae Evidence Modeling of protein sequence and biophysical properties (such as structural, functional, and spatial information, amino acid conservation, physicochemical variation, residue mobility, and thermodynamic stability) indicates that this missense variant is not expected to disrupt HOXB13 protein function with a negative predictive value of 80%. In summary, the available evidence is currently insufficient to determine the role of this variant in disease. Therefore, it has been classified as a Variant of Uncertain Significance.

Ambry Genetics
Classification: Uncertain significance for Hereditary cancer-predisposing syndrome. Last evaluated: 2025-01-27. Review status: criteria provided, single submitter. Criteria: Ambry Variant Classification Scheme 2023. Collection method: clinical testing. Allele origin: germline.
Comment: The p.R159L variant (also known as c.476G>T), located in coding exon 1 of the HOXB13 gene, results from a G to T substitution at nucleotide position 476. The arginine at codon 159 is replaced by leucine, an amino acid with dissimilar properties. This amino acid position is conserved. In addition, this alteration is predicted to be deleterious by in silico analysis. Since supporting evidence is limited at this time, the clinical significance of this alteration remains unclear.

Laboratory of Virology, Microbiology,  Quality and Medical Biotechnologies, Faculty of Sciences and Techniques - Mohammedia, Hassan II University of Casablanca
Classification: Uncertain significance for Prostate cancer, hereditary, 1. Review status: no assertion criteria provided. Collection method: clinical testing. Allele origin: somatic. Affected: yes. Not counted in ClinVar's aggregate classification.

NM_006361.6(HOXB13):c.476G>T (p.Arg159Leu)

Gene: HOXB13 (homeobox B13; minus strand). Cytogenetic location: 17q21.32.
Variant type: single nucleotide variant.
Coding change: c.476G>T on transcript NM_006361.6 (MANE Select); coding-DNA position 476, G replaced by T.
Protein change: p.Arg159Leu; replaces arginine 159 with leucine.
Molecular consequence: missense variant.
Genome position (GRCh38, 1-based): chr17:48,728,118, C>A on the plus strand (G>T on the coding strand, the complement: HOXB13 is on the minus strand). VCF-style: chr17-48728118-C-A. GRCh37 (hg19) VCF-style: chr17-46805480-C-A.
Other names: short protein forms R159L.
Identifiers: ClinVar variation 690789 (VCV000690789.13), dbSNP rs1241042961, ClinGen allele CA400107376.